The following is an entry in ClinVar:

NM_001853.4(COL9A3):c.1504G>C (p.Gly502Arg)

Genes: COL9A3 (collagen type IX alpha 3 chain; plus strand), LOC126863084 (MED14-independent group 3 enhancer GRCh37_chr20:61467141-61468340; plus strand). Cytogenetic location: 20q13.33.
Variant type: single nucleotide variant.
Coding change: c.1504G>C on transcript NM_001853.4 (MANE Select); coding-DNA position 1504, G replaced by C.
Protein change: p.Gly502Arg; replaces glycine 502 with arginine.
Molecular consequence: missense variant.
Genome position (GRCh38, 1-based): chr20:62,836,289, G>C. VCF-style: chr20-62836289-G-C. GRCh37 (hg19) VCF-style: chr20-61467641-G-C.
Other names: c.1504G>C (NM_001853.3); short protein forms G502R.
Identifiers: ClinVar variation 2061548 (VCV002061548.5), dbSNP rs763372038, ClinGen allele CA9950003.

ClinVar aggregate classification (germline): Uncertain significance. Review status: criteria provided, multiple submitters, no conflicts (2 of 4 stars). 2 submissions from 2 submitters: Uncertain significance (2). Last evaluated 2025-06-23.

Conditions:
Inborn genetic diseases. Identifiers: MedGen C0950123, MeSH D030342.

Allele frequency attached by ClinVar (database versions not stated): gnomAD exomes below 0.00001; ExAC 0.00001.
gnomAD v4.1: 2 of 1,613,886 alleles (0.00012%); highest among the groups gnomAD compares: Admixed American, 0.0033%; no homozygotes.

Submissions (2):

Ambry Genetics
Classification: Uncertain significance for Inborn genetic diseases. Last evaluated: 2025-06-23. Review status: criteria provided, single submitter. Criteria: Ambry Variant Classification Scheme 2023. Collection method: clinical testing. Allele origin: germline.

Labcorp Genetics (formerly Invitae), Labcorp
Classification: Uncertain significance. Last evaluated: 2023-09-11. Review status: criteria provided, single submitter. Criteria: Invitae Variant Classification Sherloc (09022015). Collection method: clinical testing. Allele origin: germline.
Comment: This sequence change replaces glycine, which is neutral and non-polar, with arginine, which is basic and polar, at codon 502 of the COL9A3 protein (p.Gly502Arg). In summary, the available evidence is currently insufficient to determine the role of this variant in disease. Therefore, it has been classified as a Variant of Uncertain Significance. Advanced modeling of protein sequence and biophysical properties (such as structural, functional, and spatial information, amino acid conservation, physicochemical variation, residue mobility, and thermodynamic stability) performed at Invitae indicates that this missense variant is expected to disrupt COL9A3 protein function. ClinVar contains an entry for this variant (Variation ID: 2061548). This variant has not been reported in the literature in individuals affected with COL9A3-related conditions. This variant is present in population databases (rs763372038, gnomAD 0.009%).